The following is an entry in ClinVar:

NM_001372051.1(CASP8):c.742C>T (p.Arg248Trp)

Gene: CASP8 (caspase 8; plus strand). Cytogenetic location: 2q33.1.
Variant type: single nucleotide variant.
Coding change: c.742C>T on transcript NM_001372051.1 (MANE Select); coding-DNA position 742, C replaced by T.
Protein change: p.Arg248Trp; replaces arginine 248 with tryptophan.
Molecular consequence: missense variant. On other transcripts: intron variant (4), non-coding transcript variant (21).
Genome position (GRCh38, 1-based): chr2:201,276,908, C>T. VCF-style: chr2-201276908-C-T. GRCh37 (hg19) VCF-style: chr2-202141631-C-T.
Other names: c.727+4132C>T (NM_001400665.1); c.550+4132C>T (NM_001400668.1, NM_001400667.1); c.595+3966C>T (NM_001400666.1); c.100C>T, p.Arg34Trp (NM_001400676.1, NM_001400677.1, NM_001400678.1 and 2 more transcripts); c.677C>T, p.Thr226Met (NM_001400679.1); c.127C>T, p.Arg43Trp (NM_001400680.1, NM_001400674.1); c.145C>T, p.Arg49Trp (NM_001400750.1, NM_001400671.1, NM_001400672.1 and 1 more transcripts); c.742C>T, p.Arg248Trp (NM_033355.4, NM_001400653.1, NM_001400654.1 and 6 more transcripts); and 7 more; short protein forms R248W, R265W, R307W, R233W, R145W, R225W, R259W, R292W.
Identifiers: ClinVar variation 7760 (VCV000007760.20), dbSNP rs17860424, ClinGen allele CA119046.

ClinVar aggregate classification (germline): Pathogenic/Likely pathogenic. Review status: criteria provided, multiple submitters, no conflicts (2 of 4 stars). 4 submissions from 4 submitters: Pathogenic (1); Likely pathogenic (2). 1 of the submissions does not count toward it. Last evaluated 2025-07-31.

Conditions:
Autoimmune lymphoproliferative syndrome type 2B. Also called: AUTOIMMUNE LYMPHOPROLIFERATIVE SYNDROME, TYPE IIB. Identifiers: Orphanet 275517, MedGen C1846545, MONDO:0011804, OMIM 607271.

Allele frequency attached by ClinVar (database versions not stated): gnomAD exomes 0.00001; TOPMed 0.00001; gnomAD 0.00001; ExAC 0.00002.

Submissions (4):

First Genomix Gene Laboratory, Genetic Diagnostics Department
Classification: Likely pathogenic for Autoimmune lymphoproliferative syndrome type 2B. Last evaluated: 2025-07-31. Review status: criteria provided, single submitter. Criteria: ACMG Guidelines, 2015. Collection method: clinical testing. Allele origin: germline. Inheritance: Autosomal recessive inheritance. Affected: no. Observed: 1 variant allele.

Revvity Omics, Revvity
Classification: Pathogenic for Autoimmune lymphoproliferative syndrome type 2B. Last evaluated: 2023-09-13. Review status: criteria provided, single submitter. Criteria: ACMG Guidelines, 2015. Collection method: clinical testing. Allele origin: germline.

Labcorp Genetics (formerly Invitae), Labcorp
Classification: Likely pathogenic for Autoimmune lymphoproliferative syndrome type 2B. Last evaluated: 2023-08-08. Review status: criteria provided, single submitter. Criteria: Invitae Variant Classification Sherloc (09022015). Collection method: clinical testing. Allele origin: germline.
Comment: ClinVar contains an entry for this variant (Variation ID: 7760). This sequence change replaces arginine, which is basic and polar, with tryptophan, which is neutral and slightly polar, at codon 265 of the CASP8 protein (p.Arg265Trp). This variant is present in population databases (rs17860424, gnomAD 0.01%). This missense change has been observed in individual(s) with clinical features of caspase-8 deficiency (PMID: 12353035, 25814141, 30267714, 32135276). It has also been observed to segregate with disease in related individuals. This variant is also known as Arg248Trp. An algorithm developed to predict the effect of missense changes on protein structure and function (PolyPhen-2) suggests that this variant is likely to be disruptive. Experimental studies have shown that this missense change affects CASP8 function (PMID: 12353035, 34362880). In summary, the currently available evidence indicates that the variant is pathogenic, but additional data are needed to prove that conclusively. Therefore, this variant has been classified as Likely Pathogenic.

OMIM
Classification: Pathogenic for CASPASE 8 DEFICIENCY (1 family). Last evaluated: 2002-09-26. Review status: no assertion criteria provided. Collection method: literature only. Allele origin: germline. Not counted in ClinVar's aggregate classification.

Literature cited by the submitters: PubMed 12353035 (cited by Labcorp Genetics (formerly Invitae), Labcorp and OMIM); PubMed 25814141 (cited by Labcorp Genetics (formerly Invitae), Labcorp); PubMed 30267714 (cited by Labcorp Genetics (formerly Invitae), Labcorp); PubMed 32135276 (cited by Labcorp Genetics (formerly Invitae), Labcorp); PubMed 34362880 (cited by Labcorp Genetics (formerly Invitae), Labcorp).